The following is an entry in ClinVar:

ClinVar aggregate classification (germline): Likely benign. Review status: criteria provided, multiple submitters, no conflicts (2 of 4 stars). 3 submissions from 3 submitters: Likely benign (3). Last evaluated 2026-02-24.

Conditions:
GRXCR1-related disorder. Also called: GRXCR1-related condition.

Allele frequency attached by ClinVar (database versions not stated): gnomAD exomes 0.00008 and 0.00023; ExAC 0.00031; gnomAD 0.00074 and 0.00080; TOPMed 0.00076; 1000 Genomes Project 0.00120; ESP Exome Variant Server 0.00121; 1000 Genomes Project 30x 0.00125.
gnomAD v4.1: 235 of 1,613,826 alleles (0.015%); highest among the groups gnomAD compares: African/African-American, 0.3%; no homozygotes.

Submissions (3):

PreventionGenetics, part of Exact Sciences
Classification: Likely benign for GRXCR1-related condition. Last evaluated: 2026-02-24. Review status: criteria provided, single submitter. Criteria: ACMG Guidelines, 2015. Collection method: clinical testing. Allele origin: germline.
Comment: This variant is classified as likely benign based on ACMG/AMP sequence variant interpretation guidelines (Richards et al. 2015 PMID: 25741868, with internal and published modifications).

Labcorp Genetics (formerly Invitae), Labcorp
Classification: Likely benign. Last evaluated: 2025-08-09. Review status: criteria provided, single submitter. Criteria: Invitae Variant Classification Sherloc (09022015). Collection method: clinical testing. Allele origin: germline.

GeneDx
Classification: Likely benign. Last evaluated: 2020-11-09. Review status: criteria provided, single submitter. Criteria: GeneDx Variant Classification Process June 2021. Collection method: clinical testing. Allele origin: germline. Affected: yes.

NM_001080476.3(GRXCR1):c.74G>A (p.Ser25Asn)

Gene: GRXCR1 (glutaredoxin and cysteine rich domain containing 1; plus strand). Cytogenetic location: 4p13.
Variant type: single nucleotide variant.
Coding change: c.74G>A on transcript NM_001080476.3 (MANE Select); coding-DNA position 74, G replaced by A.
Protein change: p.Ser25Asn; replaces serine 25 with asparagine.
Molecular consequence: missense variant.
Genome position (GRCh38, 1-based): chr4:42,893,340, G>A. VCF-style: chr4-42893340-G-A. GRCh37 (hg19) VCF-style: chr4-42895357-G-A.
Other names: short protein forms S25N.
Identifiers: ClinVar variation 1216177 (VCV001216177.5), dbSNP rs147175069, ClinGen allele CA2904312.